The following is an entry in ClinVar:

NM_000540.3(RYR1):c.4088C>T (p.Ala1363Val)

Gene: RYR1 (ryanodine receptor 1; plus strand). Cytogenetic location: 19q13.2.
Variant type: single nucleotide variant.
Coding change: c.4088C>T on transcript NM_000540.3 (MANE Select); coding-DNA position 4088, C replaced by T.
Protein change: p.Ala1363Val; replaces alanine 1363 with valine.
Molecular consequence: missense variant.
Genome position (GRCh38, 1-based): chr19:38,473,699, C>T. VCF-style: chr19-38473699-C-T. GRCh37 (hg19) VCF-style: chr19-38964339-C-T.
Other names: c.4088C>T, p.Ala1363Val (NM_001042723.2); short protein forms A1363V.
Identifiers: ClinVar variation 201150 (VCV000201150.33), dbSNP rs774603798, ClinGen allele CA024423.

ClinVar aggregate classification (germline): Conflicting classifications of pathogenicity. Review status: criteria provided, conflicting classifications (1 of 4 stars). 7 submissions from 7 submitters: Uncertain significance (1); Benign (1); Likely benign (4). 1 of the submissions does not count toward it. Last evaluated 2026-07-01.

Conditions:
RYR1-related disorder. Also called: RYR1-related disorders; RYR1-related condition. Identifiers: MedGen CN239331.
Malignant hyperthermia, susceptibility to, 1 (MHS1). Also called: Anesthesia related hyperthermia; Malignant hyperpyrexia; Fulminating hyperpyrexia; Pharmacogenic myopathy; RYR1-Related Malignant Hyperthermia Susceptibility; Malignant hyperthermia suceptibility 1. Identifiers: Orphanet 423, MedGen C2930980, MONDO:0007783, OMIM 145600.

Allele frequency attached by ClinVar (database versions not stated): ExAC 0.00009; gnomAD exomes 0.00009; gnomAD 0.00075 and 0.00084; TOPMed 0.00084; 1000 Genomes Project 30x 0.00094.
gnomAD v4.1: 240 of 1,545,066 alleles (0.016%); highest among the groups gnomAD compares: African/African-American, 0.25%; 2 homozygotes.

Submissions (7):

CeGaT Center for Human Genetics Tuebingen
Classification: Likely benign. Last evaluated: 2026-07-01. Review status: criteria provided, single submitter. Criteria: CeGaT Center For Human Genetics Tuebingen Variant Classification Criteria Version 2. Collection method: clinical testing. Allele origin: germline. Affected: yes. Observed: 1 variant allele.
Comment: RYR1: BS2

Labcorp Genetics (formerly Invitae), Labcorp
Classification: Benign for RYR1-related disorder. Last evaluated: 2026-02-02. Review status: criteria provided, single submitter. Criteria: Invitae Variant Classification Sherloc (09022015). Collection method: clinical testing. Allele origin: germline.

Blueprint Genetics
Classification: Likely benign. Last evaluated: 2024-05-03. Review status: criteria provided, single submitter. Criteria: ACMG Guidelines, 2015. Collection method: clinical testing. Allele origin: germline.

Color Diagnostics, LLC DBA Color Health
Classification: Likely benign for Malignant hyperthermia, susceptibility to, 1. Last evaluated: 2022-11-06. Review status: criteria provided, single submitter. Criteria: ACMG Guidelines, 2015. Collection method: clinical testing. Allele origin: germline.

GeneDx
Classification: Likely benign. Last evaluated: 2018-01-03. Review status: criteria provided, single submitter. Criteria: GeneDx Variant Classification (06012015). Collection method: clinical testing. Allele origin: germline. Affected: yes.
Comment: This variant is considered likely benign or benign based on one or more of the following criteria: it is a conservative change, it occurs at a poorly conserved position in the protein, it is predicted to be benign by multiple in silico algorithms, and/or has population frequency not consistent with disease.

Center for Pediatric Genomic Medicine, Children's Mercy Hospital and Clinics
Classification: Uncertain significance. Last evaluated: 2016-09-13. Review status: criteria provided, single submitter. Criteria: ACMG Guidelines, 2015. Collection method: clinical testing. Allele origin: germline.
ClinVar note: Converted during submission from Uncertain Significance to Uncertain significance.

PreventionGenetics, part of Exact Sciences
Classification: Likely benign for RYR1-related condition. Last evaluated: 2021-06-10. Review status: no assertion criteria provided. Collection method: clinical testing. Allele origin: germline. Not counted in ClinVar's aggregate classification.
Comment: This variant is classified as likely benign based on ACMG/AMP sequence variant interpretation guidelines (Richards et al. 2015 PMID: 25741868, with internal and published modifications).